The following is an entry in ClinVar:

NM_000271.5(NPC1):c.1947+14G>T

Gene: NPC1 (NPC intracellular cholesterol transporter 1; minus strand). Cytogenetic location: 18q11.2.
Variant type: single nucleotide variant.
Coding change: c.1947+14G>T on transcript NM_000271.5 (MANE Select); 14 bases into the intron after coding-DNA position 1947, G replaced by T.
Molecular consequence: intron variant.
Genome position (GRCh38, 1-based): chr18:23,544,946, C>A on the plus strand (G>T on the coding strand, the complement: NPC1 is on the minus strand). VCF-style: chr18-23544946-C-A. GRCh37 (hg19) VCF-style: chr18-21124910-C-A.
Other names: p.?.
Identifiers: ClinVar variation 92704 (VCV000092704.27), dbSNP rs3745024, ClinGen allele CA145955.
Genomic context (GRCh38, chr18:23,544,946, plus strand): 5'-AGAGGCAAAAATATGACGTTACACTGTGCACTGCTGTTAACCTCTAGAACATACACCACC[C>A]CCCCCCGGCTTACCAGAAGCCTGCGACAGCTTTTCATGTGCCCCAAGGCTAGGGAAATAT-3'

ClinVar aggregate classification (germline): Benign. Review status: criteria provided, multiple submitters, no conflicts (2 of 4 stars). 12 submissions from 11 submitters: Benign (9). 3 of the submissions do not count toward it. Last evaluated 2026-02-04.

Conditions:
Niemann-Pick disease, type C1. Also called: NIEMANN-PICK DISEASE, VARIANT TYPE C1; NEUROVISCERAL STORAGE DISEASE WITH VERTICAL SUPRANUCLEAR OPHTHALMOPLEGIA; NIEMANN-PICK DISEASE WITH CHOLESTEROL ESTERIFICATION BLOCK; NIEMANN-PICK DISEASE WITHOUT SPHINGOMYELINASE DEFICIENCY; NIEMANN-PICK DISEASE, CHRONIC NEURONOPATHIC FORM. Identifiers: Orphanet 646, MedGen C3179455, MONDO:0009757, OMIM 257220.

Allele frequency attached by ClinVar (database versions not stated): gnomAD 0.01574 and 0.02165; TOPMed 0.02014; gnomAD exomes 0.04491; ExAC 0.04587; 1000 Genomes Project 0.08746.
gnomAD v4.1: 28,914 of 1,329,592 alleles (2.2%); highest among the groups gnomAD compares: East Asian, 33%; 3,271 homozygotes.

Submissions (12):

Labcorp Genetics (formerly Invitae), Labcorp
Classification: Benign for Niemann-Pick disease, type C1. Last evaluated: 2026-02-04. Review status: criteria provided, single submitter. Criteria: Invitae Variant Classification Sherloc (09022015). Collection method: clinical testing. Allele origin: germline.

Mayo Clinic Laboratories, Mayo Clinic
Classification: Benign. Last evaluated: 2022-04-08. Review status: criteria provided, single submitter. Criteria: ACMG Guidelines, 2015. Collection method: clinical testing. Allele origin: germline. Observed: 40 variant alleles.

Genome-Nilou Lab
Classification: Benign for Niemann-Pick disease, type C1. Last evaluated: 2021-06-10. Review status: criteria provided, single submitter. Criteria: ACMG Guidelines, 2015. Collection method: clinical testing. Allele origin: germline. Affected: no.

Women's Health and Genetics/Laboratory Corporation of America, LabCorp
Classification: Benign. Last evaluated: 2020-03-02. Review status: criteria provided, single submitter. Criteria: LabCorp Variant Classification Summary - May 2015. Collection method: clinical testing. Allele origin: germline.
Comment: Variant summary: NPC1 c.1947+14G>T alters a non-conserved nucleotide located close to a canonical splice site and therefore could affect mRNA splicing, leading to a significantly altered protein sequence. 4/4 computational tools predict no significant impact on normal splicing. However, these predictions have yet to be confirmed by functional studies. The variant allele was found at a frequency of 0.045 in 233216 control chromosomes in the gnomAD database, including 1029 homozygotes. The observed variant frequency is approximately 16-fold the estimated maximal expected allele frequency for a pathogenic variant in NPC1 causing Niemann-Pick Disease Type C phenotype (0.0028), strongly suggesting that the variant is benign. c.1947+14G>T has been reported in the literature in individuals affected with Niemann-Pick Disease Type C (e.g. DeCastro-Oros_2017). These reports do not provide unequivocal conclusions about association of the variant with Niemann-Pick Disease Type C. To our knowledge, no experimental evidence demonstrating an impact on protein function has been reported. Three clinical diagnostic laboratories have submitted clinical-significance assessments for this variant to ClinVar after 2014 without evidence for independent evaluation. All laboratories classified the variant as benign/likely benign. Based on the evidence outlined above, the variant was classified as benign.

Illumina Laboratory Services, Illumina
Classification: Benign for Niemann-Pick disease type C1. Last evaluated: 2018-01-13. Review status: criteria provided, single submitter. Criteria: ICSL Variant Classification Criteria 13 December 2019. Collection method: clinical testing. Allele origin: germline.
Comment: This variant was observed in the ICSL laboratory as part of a predisposition screen in an ostensibly healthy population. It had not been previously curated by ICSL or reported in the Human Gene Mutation Database (HGMD: prior to June 1st, 2018), and was therefore a candidate for classification through an automated scoring system. Utilizing variant allele frequency, disease prevalence and penetrance estimates, and inheritance mode, an automated score was calculated to assess if this variant is too frequent to cause the disease. Based on the score and internal cut-off values, a variant classified as benign is not then subjected to further curation. The score for this variant resulted in a classification of benign for this disease.

Clinical Genetics DNA and cytogenetics Diagnostics Lab, Erasmus MC, Erasmus Medical Center
Classification: Benign for Niemann-Pick disease, type C1. Last evaluated: 2015-09-21. Review status: criteria provided, single submitter. Criteria: ACGS Guidelines, 2013. Collection method: clinical testing. Allele origin: germline. Affected: yes. Study: VKGL Data-share Consensus.

Eurofins Ntd Llc (ga)
Classification: Benign. Last evaluated: 2013-03-14. Review status: criteria provided, single submitter. Criteria: EGL Classification Definitions 2015. Collection method: clinical testing. Allele origin: germline. Observed: 5 variant alleles, 4 heterozygotes, 1 homozygote.

Breakthrough Genomics
Classification: Benign. Review status: criteria provided, single submitter. Criteria: ACMG Guidelines, 2015. Collection method: not provided. Allele origin: germline. Inheritance: Autosomal recessive inheritance. Affected: yes.

PreventionGenetics, part of Exact Sciences
Classification: Benign. Review status: criteria provided, single submitter. Criteria: ACMG Guidelines, 2015. Collection method: clinical testing. Allele origin: germline.

Genome Diagnostics Laboratory, Amsterdam University Medical Center
Classification: Likely benign for Niemann-Pick disease, type C1. Last evaluated: 2016-05-10. Review status: no assertion criteria provided. Criteria: ACGS Guidelines, 2013. Collection method: clinical testing. Allele origin: germline. Affected: yes. Study: VKGL Data-share Consensus. Not counted in ClinVar's aggregate classification.

Clinical Genetics, Academic Medical Center
Classification: Benign. Review status: no assertion criteria provided. Collection method: clinical testing. Allele origin: germline. Affected: yes. Study: VKGL Data-share Consensus. Not counted in ClinVar's aggregate classification.

Genome Diagnostics Laboratory, Amsterdam University Medical Center
Classification: Benign. Review status: no assertion criteria provided. Collection method: clinical testing. Allele origin: germline. Affected: yes. Study: VKGL Data-share Consensus. Not counted in ClinVar's aggregate classification.

Literature cited by the submitters: PubMed 28222799 (cited by Women's Health and Genetics/Laboratory Corporation of America, LabCorp).